The following is an entry in ClinVar:

NM_001146334.2(NACAD):c.3405G>A (p.Pro1135=)

Gene: NACAD (NAC alpha domain containing; minus strand). Cytogenetic location: 7p13.
Variant type: single nucleotide variant.
Coding change: c.3405G>A on transcript NM_001146334.2 (MANE Select); coding-DNA position 3405, G replaced by A.
Protein change: p.Pro1135=; no amino-acid change (proline 1135 retained).
Molecular consequence: synonymous variant.
Genome position (GRCh38, 1-based): chr7:45,082,775, C>T on the plus strand (G>A on the coding strand, the complement: NACAD is on the minus strand). VCF-style: chr7-45082775-C-T. GRCh37 (hg19) VCF-style: chr7-45122374-C-T.
Identifiers: ClinVar variation 2657440 (VCV002657440.24), dbSNP rs375760474, ClinGen allele CA4247533.

ClinVar aggregate classification (germline): Likely benign (1 of 4 stars; one submission).

Allele frequency attached by ClinVar (database versions not stated): gnomAD exomes 0.00002.

Submission:

CeGaT Center for Human Genetics Tuebingen
Classification: Likely benign. Last evaluated: 2022-03-01. Review status: criteria provided, single submitter. Criteria: CeGaT Center For Human Genetics Tuebingen Variant Classification Criteria Version 2. Collection method: clinical testing. Allele origin: germline. Affected: yes. Observed: 1 variant allele.
Comment: NACAD: BP4, BP7